The following is an entry in ClinVar:

NM_000202.8(IDS):c.1610A>G (p.Asn537Ser)

Gene: IDS (iduronate 2-sulfatase; minus strand). Cytogenetic location: Xq28.
Variant type: single nucleotide variant.
Coding change: c.1610A>G on transcript NM_000202.8 (MANE Select); coding-DNA position 1610, A replaced by G.
Protein change: p.Asn537Ser; replaces asparagine 537 with serine.
Molecular consequence: missense variant.
Genome position (GRCh38, 1-based): chrX:149,482,789, T>C on the plus strand (A>G on the coding strand, the complement: IDS is on the minus strand). VCF-style: chrX-149482789-T-C. GRCh37 (hg19) VCF-style: chrX-148564320-T-C.
Other names: c.1340A>G, p.Asn447Ser (NM_001166550.4); short protein forms N447S, N537S.
Identifiers: ClinVar variation 2047467 (VCV002047467.1), dbSNP rs2089303240, ClinGen allele CA414517698.

ClinVar aggregate classification (germline): Uncertain significance (1 of 4 stars; one submission).

Conditions:
Mucopolysaccharidosis, MPS-II (MPS2). Also called: IDS deficiency; Sulfoiduronate sulfatase deficiency; SIDS deficiency; Mucopolysaccharidosis with skin involvement; Mucopolysaccharidosis type 2; Attenuated MPS (subtype; formerly known as mild MPS II). Identifiers: Orphanet 580, Orphanet 79388, MedGen C0026705, MONDO:0010674, OMIM 309900.

Submission:

Labcorp Genetics (formerly Invitae), Labcorp
Classification: Uncertain significance for Mucopolysaccharidosis, MPS-II. Last evaluated: 2022-01-11. Review status: criteria provided, single submitter. Criteria: Invitae Variant Classification Sherloc (09022015). Collection method: clinical testing. Allele origin: germline.
Comment: This sequence change replaces asparagine, which is neutral and polar, with serine, which is neutral and polar, at codon 537 of the IDS protein (p.Asn537Ser). This variant is not present in population databases (gnomAD no frequency). This variant has not been reported in the literature in individuals affected with IDS-related conditions. Algorithms developed to predict the effect of missense changes on protein structure and function (SIFT, PolyPhen-2, Align-GVGD) all suggest that this variant is likely to be tolerated. In summary, the available evidence is currently insufficient to determine the role of this variant in disease. Therefore, it has been classified as a Variant of Uncertain Significance.